The following is an entry in ClinVar:

NM_001144967.3(NEDD4L):c.990+4A>G

Gene: NEDD4L (NEDD4 like E3 ubiquitin protein ligase; plus strand). Cytogenetic location: 18q21.31.
Variant type: single nucleotide variant.
Coding change: c.990+4A>G on transcript NM_001144967.3 (MANE Select); 4 bases into the intron after coding-DNA position 990, A replaced by G.
Molecular consequence: intron variant.
Genome position (GRCh38, 1-based): chr18:58,330,918, A>G. VCF-style: chr18-58330918-A-G. GRCh37 (hg19) VCF-style: chr18-55998150-A-G.
Other names: c.990+4A>G (NM_015277.6, NM_001243960.2); c.627+4A>G (NM_001144964.1, NM_001144971.2, NM_001144965.2 and 2 more transcripts); c.966+4A>G (NM_001144968.2, NM_001144969.2).
Identifiers: ClinVar variation 3690956 (VCV003690956.2).

ClinVar aggregate classification (germline): Uncertain significance (1 of 4 stars; one submission).

gnomAD v4.1: 5 of 1,612,068 alleles (0.00031%); highest among the groups gnomAD compares: East Asian, 0.0067%; no homozygotes.

Submission:

Labcorp Genetics (formerly Invitae), Labcorp
Classification: Uncertain significance. Last evaluated: 2025-04-11. Review status: criteria provided, single submitter. Criteria: Invitae Variant Classification Sherloc (09022015). Collection method: clinical testing. Allele origin: germline.
Comment: This sequence change falls in intron 11 of the NEDD4L gene. It does not directly change the encoded amino acid sequence of the NEDD4L protein. It affects a nucleotide within the consensus splice site. This variant is present in population databases (rs776842415, gnomAD 0.03%). This variant has not been reported in the literature in individuals affected with NEDD4L-related conditions. ClinVar contains an entry for this variant (Variation ID: 3690956). Variants that disrupt the consensus splice site are a relatively common cause of aberrant splicing (PMID: 17576681, 9536098). Algorithms developed to predict the effect of sequence changes on RNA splicing suggest that this variant may disrupt the consensus splice site. In summary, the available evidence is currently insufficient to determine the role of this variant in disease. Therefore, it has been classified as a Variant of Uncertain Significance.

Literature cited by the submitters: PubMed 17576681; PubMed 9536098.